The following is an entry in ClinVar:

ClinVar aggregate classification (germline): Uncertain significance (1 of 4 stars; one submission).

Conditions:
Severe combined immunodeficiency, autosomal recessive, T cell-negative, B cell-negative, NK cell-positive. Also called: SCID, T CELL-NEGATIVE, B CELL-NEGATIVE, NK CELL-POSITIVE; SCID, AR, T-cell negative, B-cell negative, NK cell-positive; Severe combined immunodeficiency due to complete RAG1/2 deficiency. Identifiers: Orphanet 331206, MedGen C1832322, MONDO:0011086, OMIM 601457.
Combined immunodeficiency with skin granulomas. Identifiers: Orphanet 157949, MedGen C2673536, MONDO:0009306, OMIM 233650.

Submission:

Labcorp Genetics (formerly Invitae), Labcorp
Classification: Uncertain significance for Combined immunodeficiency with skin granulomas; Severe combined immunodeficiency, autosomal recessive, T cell-negative, B cell-negative, NK cell-positive. Last evaluated: 2022-06-13. Review status: criteria provided, single submitter. Criteria: Invitae Variant Classification Sherloc (09022015). Collection method: clinical testing. Allele origin: germline.
Comment: This sequence change replaces valine, which is neutral and non-polar, with glutamic acid, which is acidic and polar, at codon 247 of the RAG2 protein (p.Val247Glu). This variant is not present in population databases (gnomAD no frequency). This variant has not been reported in the literature in individuals affected with RAG2-related conditions. Advanced modeling of protein sequence and biophysical properties (such as structural, functional, and spatial information, amino acid conservation, physicochemical variation, residue mobility, and thermodynamic stability) performed at Invitae indicates that this missense variant is expected to disrupt RAG2 protein function. In summary, the available evidence is currently insufficient to determine the role of this variant in disease. Therefore, it has been classified as a Variant of Uncertain Significance.

NM_000536.4(RAG2):c.740T>A (p.Val247Glu)

Gene: RAG2 (recombination activating 2; minus strand). Cytogenetic location: 11p12.
Variant type: single nucleotide variant.
Coding change: c.740T>A on transcript NM_000536.4 (MANE Select); coding-DNA position 740, T replaced by A.
Protein change: p.Val247Glu; replaces valine 247 with glutamic acid.
Molecular consequence: missense variant.
Genome position (GRCh38, 1-based): chr11:36,593,429, A>T on the plus strand (T>A on the coding strand, the complement: RAG2 is on the minus strand). VCF-style: chr11-36593429-A-T. GRCh37 (hg19) VCF-style: chr11-36614979-A-T.
Other names: c.740T>A, p.Val247Glu (NM_001243785.2, NM_001243786.2); short protein forms V247E.
Identifiers: ClinVar variation 1447627 (VCV001447627.6), dbSNP rs2133313736, ClinGen allele CA380142210.
Genomic context (GRCh38, chr11:36,593,429, plus strand): 5'-TTAGTTTGAGTCAGGATTGCACTGGAGACAGAGATTCCTCCTGGCAAGACTGTGCAATTC[A>T]CAGCTGGGCTACCCAGGGGAAGATCAACCCTTATTCTGTACAGGTTGGCAGGCCGGATAT-3'
Protein context (NP_000527.2, residues 237-257): RVDLPLGSPA[Val247Glu]NCTVLPGGIS